The following is an entry in ClinVar:

ClinVar aggregate classification (germline): Uncertain significance (1 of 4 stars; one submission).

Conditions:
Inborn genetic diseases. Identifiers: MedGen C0950123, MeSH D030342.

Submission:

Ambry Genetics
Classification: Uncertain significance for Inborn genetic diseases. Last evaluated: 2024-12-25. Review status: criteria provided, single submitter. Criteria: Ambry Variant Classification Scheme 2023. Collection method: clinical testing. Allele origin: germline.
Comment: The p.L69F variant (also known as c.205C>T), located in coding exon 2 of the ERCC6L2 gene, results from a C to T substitution at nucleotide position 205. The leucine at codon 69 is replaced by phenylalanine, an amino acid with highly similar properties. This amino acid position is conserved. In addition, the in silico prediction for this alteration is inconclusive. Based on the available evidence, the clinical significance of this variant remains unclear.

NM_020207.7(ERCC6L2):c.205C>T (p.Leu69Phe)

Gene: ERCC6L2 (ERCC excision repair 6 like 2; plus strand). Cytogenetic location: 9q22.32.
Variant type: single nucleotide variant.
Coding change: c.205C>T on transcript NM_020207.7 (MANE Select); coding-DNA position 205, C replaced by T.
Protein change: p.Leu69Phe; replaces leucine 69 with phenylalanine.
Molecular consequence: missense variant. On other transcripts: non-coding transcript variant (1).
Genome position (GRCh38, 1-based): chr9:95,881,027, C>T. VCF-style: chr9-95881027-C-T. GRCh37 (hg19) VCF-style: chr9-98643309-C-T.
Other names: c.205C>T, p.Leu69Phe (NM_001010895.4, NM_001375291.1, NM_001375292.1 and 2 more transcripts); short protein forms L69F.
Identifiers: ClinVar variation 3845831 (VCV003845831.1).